The following is an entry in ClinVar:

NM_033028.5(BBS4):c.255A>C (p.Glu85Asp)

Gene: BBS4 (Bardet-Biedl syndrome 4; plus strand). Cytogenetic location: 15q24.1.
Variant type: single nucleotide variant.
Coding change: c.255A>C on transcript NM_033028.5 (MANE Select); coding-DNA position 255, A replaced by C.
Protein change: p.Glu85Asp; replaces glutamic acid 85 with aspartic acid.
Molecular consequence: missense variant. On other transcripts: non-coding transcript variant (2), 5 prime UTR variant (1).
Genome position (GRCh38, 1-based): chr15:72,715,325, A>C. VCF-style: chr15-72715325-A-C. GRCh37 (hg19) VCF-style: chr15-73007666-A-C.
Other names: c.-267A>C (NM_001252678.2); c.255A>C, p.Glu85Asp (NM_001320665.2); short protein forms E85D.
Identifiers: ClinVar variation 2769494 (VCV002769494.2), dbSNP rs2542950168, ClinGen allele CA393076719.

ClinVar aggregate classification (germline): Uncertain significance (1 of 4 stars; one submission).

Conditions:
Bardet-Biedl syndrome (BBS). Identifiers: Orphanet 110, MedGen C0752166, MONDO:0015229.

Submission:

Labcorp Genetics (formerly Invitae), Labcorp
Classification: Uncertain significance for Bardet-Biedl syndrome. Last evaluated: 2023-11-11. Review status: criteria provided, single submitter. Criteria: Invitae Variant Classification Sherloc (09022015). Collection method: clinical testing. Allele origin: germline.
Comment: This sequence change replaces glutamic acid, which is acidic and polar, with aspartic acid, which is acidic and polar, at codon 85 of the BBS4 protein (p.Glu85Asp). This variant is not present in population databases (gnomAD no frequency). This variant has not been reported in the literature in individuals affected with BBS4-related conditions. Advanced modeling of protein sequence and biophysical properties (such as structural, functional, and spatial information, amino acid conservation, physicochemical variation, residue mobility, and thermodynamic stability) performed at Invitae indicates that this missense variant is not expected to disrupt BBS4 protein function with a negative predictive value of 80%. This variant disrupts the p.Glu85 amino acid residue in BBS4. Other variant(s) that disrupt this residue have been determined to be pathogenic (PMID: 22219648). This suggests that this residue is clinically significant, and that variants that disrupt this residue are likely to be disease-causing. In summary, the available evidence is currently insufficient to determine the role of this variant in disease. Therefore, it has been classified as a Variant of Uncertain Significance.

Literature cited by the submitters: PubMed 22219648.